The following is an entry in ClinVar:

NM_000054.7(AVPR2):c.*204C>T

Gene: AVPR2 (arginine vasopressin receptor 2; plus strand). Cytogenetic location: Xq28.
Variant type: single nucleotide variant.
Coding change: c.*204C>T on transcript NM_000054.7 (MANE Select); 204 bases downstream of the stop codon, C replaced by T.
Molecular consequence: 3 prime UTR variant. On other transcripts: non-coding transcript variant (1).
Genome position (GRCh38, 1-based): chrX:153,906,932, C>T. VCF-style: chrX-153906932-C-T. GRCh37 (hg19) VCF-style: chrX-153172386-C-T.
Other names: c.*496C>T (NM_001146151.3).
Identifiers: ClinVar variation 368082 (VCV000368082.5), dbSNP rs184401408, ClinGen allele CA10555165.

ClinVar aggregate classification (germline): Benign (1 of 4 stars; one submission).

Conditions:
Diabetes insipidus, nephrogenic, X-linked. Also called: Nephrogenic Diabetes Insipidus, Type I. Identifiers: Orphanet 223, MedGen C1563705, MONDO:0010581, OMIM 304800.

Allele frequency attached by ClinVar (database versions not stated): TOPMed 0.00135; gnomAD exomes 0.00187 and 0.00126; ExAC 0.00192; 1000 Genomes Project 30x 0.00125; gnomAD 0.00131 and 0.00133; 1000 Genomes Project 0.00132.

Submission:

Illumina Laboratory Services, Illumina
Classification: Benign for Diabetes insipidus, nephrogenic, X-linked. Last evaluated: 2018-01-13. Review status: criteria provided, single submitter. Criteria: ICSL Variant Classification Criteria 13 December 2019. Collection method: clinical testing. Allele origin: germline.
Comment: This variant was observed in the ICSL laboratory as part of a predisposition screen in an ostensibly healthy population. It had not been previously curated by ICSL or reported in the Human Gene Mutation Database (HGMD: prior to June 1st, 2018), and was therefore a candidate for classification through an automated scoring system. Utilizing variant allele frequency, disease prevalence and penetrance estimates, and inheritance mode, an automated score was calculated to assess if this variant is too frequent to cause the disease. Based on the score and internal cut-off values, a variant classified as benign is not then subjected to further curation. The score for this variant resulted in a classification of benign for this disease.